The following is an entry in ClinVar:

ClinVar aggregate classification (germline): Uncertain significance (1 of 4 stars; one submission).

Submission:

GeneDx
Classification: Uncertain significance. Last evaluated: 2024-10-31. Review status: criteria provided, single submitter. Criteria: GeneDx Variant Classification Process June 2021. Collection method: clinical testing. Allele origin: germline. Affected: yes.
Comment: Not observed at significant frequency in large population cohorts (gnomAD); In silico analysis supports that this missense variant has a deleterious effect on protein structure/function; Has not been previously published as pathogenic or benign to our knowledge

NM_005664.4(MKRN3):c.1117C>T (p.Pro373Ser)

Gene: MKRN3 (makorin ring finger protein 3; plus strand). Cytogenetic location: 15q11.2.
Variant type: single nucleotide variant.
Coding change: c.1117C>T on transcript NM_005664.4 (MANE Select); coding-DNA position 1117, C replaced by T.
Protein change: p.Pro373Ser; replaces proline 373 with serine.
Molecular consequence: missense variant.
Genome position (GRCh38, 1-based): chr15:23,566,899, C>T. VCF-style: chr15-23566899-C-T. GRCh37 (hg19) VCF-style: chr15-23812046-C-T.
Other names: short protein forms P373S.
Identifiers: ClinVar variation 3897516 (VCV003897516.1).